The following is an entry in ClinVar:

ClinVar aggregate classification (germline): Uncertain significance (1 of 4 stars; one submission).

Conditions:
Pancreatic adenocarcinoma. Identifiers: MedGen C0281361, MONDO:0006047, HP:0006725.

Submission:

Labcorp Genetics (formerly Invitae), Labcorp
Classification: Uncertain significance for Pancreatic adenocarcinoma. Last evaluated: 2023-08-14. Review status: criteria provided, single submitter. Criteria: Invitae Variant Classification Sherloc (09022015). Collection method: clinical testing. Allele origin: germline.
Comment: This variant has not been reported in the literature in individuals affected with PALLD-related conditions. In summary, the available evidence is currently insufficient to determine the role of this variant in disease. Therefore, it has been classified as a Variant of Uncertain Significance. Algorithms developed to predict the effect of sequence changes on RNA splicing suggest that this variant may disrupt the consensus splice site. An algorithm developed to predict the effect of missense changes on protein structure and function (PolyPhen-2) suggests that this variant is likely to be tolerated. This variant is not present in population databases (gnomAD no frequency). This sequence change replaces aspartic acid, which is acidic and polar, with valine, which is neutral and non-polar, at codon 229 of the PALLD protein (p.Asp229Val).

NM_001166108.2(PALLD):c.2147A>T (p.Asp716Val)

Genes: CBR4 (carbonyl reductase 4; minus strand), PALLD (palladin, cytoskeletal associated protein; plus strand). Cytogenetic location: 4q32.3.
Variant type: single nucleotide variant.
Coding change: c.2147A>T on transcript NM_001166108.2 (MANE Select); coding-DNA position 2147, A replaced by T.
Protein change: p.Asp716Val; replaces aspartic acid 716 with valine.
Molecular consequence: missense variant.
Genome position (GRCh38, 1-based): chr4:168,894,625, A>T. VCF-style: chr4-168894625-A-T. GRCh37 (hg19) VCF-style: chr4-169815776-A-T.
Other names: c.1001A>T, p.Asp334Val (NM_001166109.2); c.686A>T, p.Asp229Val (NM_001166110.2); c.26A>T, p.Asp9Val (NM_001367567.1, NM_001367568.1, NM_001367569.1 and 1 more transcripts); c.2147A>T, p.Asp716Val (NM_016081.4); short protein forms D229V, D334V, D716V, D9V.
Identifiers: ClinVar variation 2782155 (VCV002782155.3), dbSNP rs2533638530, ClinGen allele CA358797713.